The following is an entry in ClinVar:

NM_001194998.2(CEP152):c.685A>C (p.Asn229His)

Gene: CEP152 (centrosomal protein 152; minus strand). Cytogenetic location: 15q21.1.
Variant type: single nucleotide variant.
Coding change: c.685A>C on transcript NM_001194998.2 (MANE Select); coding-DNA position 685, A replaced by C.
Protein change: p.Asn229His; replaces asparagine 229 with histidine.
Molecular consequence: missense variant.
Genome position (GRCh38, 1-based): chr15:48,796,016, T>G on the plus strand (A>C on the coding strand, the complement: CEP152 is on the minus strand). VCF-style: chr15-48796016-T-G. GRCh37 (hg19) VCF-style: chr15-49088213-T-G.
Other names: c.685A>C, p.Asn229His (NM_014985.4); short protein forms N229H.
Identifiers: ClinVar variation 434732 (VCV000434732.8), dbSNP rs147595936, ClinGen allele CA7549061.

ClinVar aggregate classification (germline): Uncertain significance. Review status: criteria provided, multiple submitters, no conflicts (2 of 4 stars). 3 submissions from 3 submitters: Uncertain significance (3). Last evaluated 2025-12-15.

Conditions:
Inborn genetic diseases. Identifiers: MedGen C0950123, MeSH D030342.

Allele frequency attached by ClinVar (database versions not stated): gnomAD exomes 0.00008 and 0.00010; gnomAD 0.00014 and 0.00013; 1000 Genomes Project 30x 0.00062; ExAC 0.00011; TOPMed 0.00012; 1000 Genomes Project 0.00060.
gnomAD v4.1: 139 of 1,613,796 alleles (0.0086%); highest among the groups gnomAD compares: African/African-American, 0.027%; no homozygotes.

Submissions (3):

Ambry Genetics
Classification: Uncertain significance for Inborn genetic diseases. Last evaluated: 2025-12-15. Review status: criteria provided, single submitter. Criteria: Ambry Variant Classification Scheme 2023. Collection method: clinical testing. Allele origin: germline.

Labcorp Genetics (formerly Invitae), Labcorp
Classification: Uncertain significance. Last evaluated: 2022-10-05. Review status: criteria provided, single submitter. Criteria: Invitae Variant Classification Sherloc (09022015). Collection method: clinical testing. Allele origin: germline.
Comment: This sequence change replaces asparagine, which is neutral and polar, with histidine, which is basic and polar, at codon 229 of the CEP152 protein (p.Asn229His). This variant is present in population databases (rs147595936, gnomAD 0.04%). This variant has not been reported in the literature in individuals affected with CEP152-related conditions. ClinVar contains an entry for this variant (Variation ID: 434732). Advanced modeling of protein sequence and biophysical properties (such as structural, functional, and spatial information, amino acid conservation, physicochemical variation, residue mobility, and thermodynamic stability) performed at Invitae indicates that this missense variant is not expected to disrupt CEP152 protein function. In summary, the available evidence is currently insufficient to determine the role of this variant in disease. Therefore, it has been classified as a Variant of Uncertain Significance.

Genetic Services Laboratory, University of Chicago
Classification: Uncertain significance. Last evaluated: 2016-01-15. Review status: criteria provided, single submitter. Criteria: ACMG Guidelines, 2015. Collection method: clinical testing. Allele origin: germline. Affected: no.